The following is an entry in ClinVar:

NM_001379029.1(CERT1):c.347A>G (p.Lys116Arg)

Gene: CERT1 (ceramide transporter 1; minus strand). Cytogenetic location: 5q13.3.
Variant type: single nucleotide variant.
Coding change: c.347A>G on transcript NM_001379029.1 (MANE Select); coding-DNA position 347, A replaced by G.
Protein change: p.Lys116Arg; replaces lysine 116 with arginine.
Molecular consequence: missense variant.
Genome position (GRCh38, 1-based): chr5:75,459,066, T>C on the plus strand (A>G on the coding strand, the complement: CERT1 is on the minus strand). VCF-style: chr5-75459066-T-C. GRCh37 (hg19) VCF-style: chr5-74754891-T-C.
Other names: c.731A>G, p.Lys244Arg (NM_001130105.1); c.347A>G, p.Lys116Arg (NM_001379002.1, NM_001379003.1, NM_001379004.1 and 2 more transcripts); short protein forms K116R, K244R.
Identifiers: ClinVar variation 3768866 (VCV003768866.1).

ClinVar aggregate classification (germline): Uncertain significance (1 of 4 stars; one submission).

Submission:

Women's Health and Genetics/Laboratory Corporation of America, LabCorp
Classification: Uncertain significance. Last evaluated: 2025-02-24. Review status: criteria provided, single submitter. Criteria: LabCorp Variant Classification Summary - May 2015. Collection method: clinical testing. Allele origin: germline.
Comment: Variant summary: CERT1 c.731A>G (p.Lys244Arg) results in a conservative amino acid change in the encoded protein sequence. Four of five in-silico tools predict a benign effect of the variant on protein function. Consensus agreement among computation tools predict no significant impact on normal splicing. However, these predictions have yet to be confirmed by functional studies. The variant was absent in 250794 control chromosomes. The available data on variant occurrences in the general population are insufficient to allow any conclusion about variant significance. To our knowledge, no occurrence of c.731A>G in individuals affected with Intellectual Disability, Autosomal Dominant 34 and no experimental evidence demonstrating its impact on protein function have been reported. No submitters have cited clinical-significance assessments for this variant to ClinVar. Based on the evidence outlined above, the variant was classified as uncertain significance.